The following is an entry in ClinVar:

NM_000179.3(MSH6):c.1933G>T (p.Glu645Ter)

Gene: MSH6 (mutS homolog 6; plus strand). Cytogenetic location: 2p16.3.
Variant type: single nucleotide variant.
Coding change: c.1933G>T on transcript NM_000179.3 (MANE Select); coding-DNA position 1933, G replaced by T.
Protein change: p.Glu645Ter; replaces glutamic acid 645 with a stop codon.
Molecular consequence: nonsense.
Genome position (GRCh38, 1-based): chr2:47,799,916, G>T. VCF-style: chr2-47799916-G-T. GRCh37 (hg19) VCF-style: chr2-48027055-G-T.
Other names: c.1543G>T, p.Glu515Ter (NM_001281492.2); c.1027G>T, p.Glu343Ter (NM_001281493.2, NM_001281494.2); short protein forms E645*, E343*, E515*.
Identifiers: ClinVar variation 422153 (VCV000422153.23), dbSNP rs1064795591, ClinGen allele CA16617661.
Genomic context (GRCh38, chr2:47,799,916, plus strand): 5'-TCCCAGTTTTGGGATGCATCCAAAACTTTGAGAACTCTCCTTGAGGAAGAATATTTTAGG[G>T]AAAAGCTAAGTGATGGCATTGGGGTGATGTTACCCCAGGTGCTTAAAGGTATGACTTCAG-3'

ClinVar aggregate classification (germline): Pathogenic/Likely pathogenic. Review status: criteria provided, multiple submitters, no conflicts (2 of 4 stars). 6 submissions from 6 submitters: Pathogenic (5); Likely pathogenic (1). Last evaluated 2025-12-29.

Conditions:
Hereditary cancer-predisposing syndrome. Also called: Hereditary neoplastic syndrome; Neoplastic Syndromes, Hereditary; Tumor predisposition; Hereditary Cancer Syndrome. Identifiers: Orphanet 140162, MedGen C0027672, MeSH D009386, MONDO:0015356.
Hereditary nonpolyposis colorectal neoplasms. Identifiers: MedGen C0009405, MeSH D003123.
Lynch syndrome 5 (LYNCH5). Also called: Hereditary non-polyposis colorectal cancer, type 5; Colorectal cancer, hereditary nonpolyposis, type 5. Identifiers: Orphanet 144, MedGen C1833477, MONDO:0013710, OMIM 614350. Disease mechanism: loss of function.
Endometrial carcinoma. Also called: Endometrial carcinoma, somatic. Identifiers: MedGen C0476089, MONDO:0002447, OMIM 608089, HP:0012114.

Allele frequency attached by ClinVar (database versions not stated): gnomAD exomes below 0.00001.
gnomAD v4.1: 2 of 1,614,156 alleles (0.00012%); highest among the groups gnomAD compares: Middle Eastern, 0.033%; no homozygotes.

Submissions (6):

Labcorp Genetics (formerly Invitae), Labcorp
Classification: Pathogenic for Hereditary nonpolyposis colorectal neoplasms. Last evaluated: 2025-12-29. Review status: criteria provided, single submitter. Criteria: Invitae Variant Classification Sherloc (09022015). Collection method: clinical testing. Allele origin: germline.
Comment: This sequence change creates a premature translational stop signal (p.Glu645*) in the MSH6 gene. It is expected to result in an absent or disrupted protein product. Loss-of-function variants in MSH6 are known to be pathogenic (PMID: 18269114, 24362816). This variant is present in population databases (no rsID available, gnomAD no frequency). This variant has not been reported in the literature in individuals affected with MSH6-related conditions. Invitae Evidence Modeling of clinical and family history, age, sex, and reported ancestry of multiple individuals with this MSH6 variant has been performed. This variant is expected to be pathogenic with a positive predictive value of at least 99%. This is a validated machine learning model that incorporates the clinical features of 1,627,235 individuals referred to our laboratory for MSH6 testing. ClinVar contains an entry for this variant (Variation ID: 422153). RNA analysis performed to evaluate the impact of this premature translational stop signal on mRNA splicing indicates it does not significantly alter splicing (internal data). For these reasons, this variant has been classified as Pathogenic.

Myriad Genetics, Inc.
Classification: Pathogenic for Lynch syndrome 5. Last evaluated: 2023-08-16. Review status: criteria provided, single submitter. Criteria: Myriad Autosomal Dominant, Autosomal Recessive and X-Linked Classification Criteria (2023). Collection method: clinical testing. Allele origin: unknown.
Comment: This variant is considered pathogenic. This variant creates a termination codon and is predicted to result in premature protein truncation.

Ambry Genetics
Classification: Pathogenic for Hereditary cancer-predisposing syndrome. Last evaluated: 2023-02-24. Review status: criteria provided, single submitter. Criteria: Ambry Variant Classification Scheme 2023. Collection method: clinical testing. Allele origin: germline.
Comment: The p.E645* pathogenic mutation (also known as c.1933G>T), located in coding exon 4 of the MSH6 gene, results from a G to T substitution at nucleotide position 1933. This changes the amino acid from a glutamic acid to a stop codon within coding exon 4. This alteration is expected to result in loss of function by premature protein truncation or nonsense-mediated mRNA decay. As such, this alteration is interpreted as a disease-causing mutation.

Baylor Genetics
Classification: Likely pathogenic for Endometrial carcinoma. Last evaluated: 2022-11-25. Review status: criteria provided, single submitter. Criteria: ACMG Guidelines, 2015. Collection method: clinical testing. Allele origin: unknown.

Color Diagnostics, LLC DBA Color Health
Classification: Pathogenic for Hereditary cancer-predisposing syndrome. Last evaluated: 2020-08-04. Review status: criteria provided, single submitter. Criteria: ACMG Guidelines, 2015. Collection method: clinical testing. Allele origin: germline.
Comment: This variant changes 1 nucleotide in exon 4 of the MSH6 gene, creating a premature translation stop signal. This variant is expected to result in an absent or non-functional protein product. To our knowledge, this variant has not been reported in individuals affected with hereditary cancer in the literature. This variant has been identified in 1/251154 chromosomes in the general population by the Genome Aggregation Database (gnomAD). Loss of MSH6 function is a known mechanism of disease. Based on the available evidence, this variant is classified as Pathogenic.

GeneDx
Classification: Pathogenic. Last evaluated: 2020-07-30. Review status: criteria provided, single submitter. Criteria: GeneDx Variant Classification (06012015). Collection method: clinical testing. Allele origin: germline. Affected: yes.
Comment: Nonsense variant predicted to result in protein truncation or nonsense mediated decay in a gene for which loss-of-function is a known mechanism of disease Not observed at a significant frequency in large population cohorts (Lek 2016) Truncating variants in this gene are considered pathogenic by a well-established clinical consortium and/or database Has not been previously published as pathogenic or benign to our knowledge

Literature cited by the submitters: PubMed 18269114 (cited by Labcorp Genetics (formerly Invitae), Labcorp); PubMed 24362816 (cited by Labcorp Genetics (formerly Invitae), Labcorp).